The following is an entry in ClinVar:

ClinVar aggregate classification (germline): Uncertain significance (1 of 4 stars; one submission).

Allele frequency attached by ClinVar (database versions not stated): ESP Exome Variant Server 0.00008; ExAC 0.00012; gnomAD 0.00013; TOPMed 0.00014; gnomAD exomes 0.00015.
gnomAD v4.1: 223 of 1,549,000 alleles (0.014%); highest among the groups gnomAD compares: East Asian, 0.16%; 2 homozygotes.

Submission:

CeGaT Center for Human Genetics Tuebingen
Classification: Uncertain significance. Last evaluated: 2023-04-01. Review status: criteria provided, single submitter. Criteria: CeGaT Center For Human Genetics Tuebingen Variant Classification Criteria Version 2. Collection method: clinical testing. Allele origin: germline. Affected: yes. Observed: 1 variant allele.
Comment: LAMA5: PM2, BP4

NM_005560.6(LAMA5):c.6799G>A (p.Gly2267Ser)

Gene: LAMA5 (laminin subunit alpha 5; minus strand). Cytogenetic location: 20q13.33.
Variant type: single nucleotide variant.
Coding change: c.6799G>A on transcript NM_005560.6 (MANE Select); coding-DNA position 6799, G replaced by A.
Protein change: p.Gly2267Ser; replaces glycine 2267 with serine.
Molecular consequence: missense variant.
Genome position (GRCh38, 1-based): chr20:62,319,756, C>T on the plus strand (G>A on the coding strand, the complement: LAMA5 is on the minus strand). VCF-style: chr20-62319756-C-T. GRCh37 (hg19) VCF-style: chr20-60894812-C-T.
Other names: short protein forms G2267S.
Identifiers: ClinVar variation 2571139 (VCV002571139.27), dbSNP rs146766389, ClinGen allele CA9941549.
Genomic context (GRCh38, chr20:62,319,756, plus strand): 5'-GGTCCACAGCCCGGATGGCCGCCAACAGCGTCTTCGCATGGCCCAGTGTGGCCTCGGTGC[C>T]GGCCAGCAATTGGCTCGCCTGGTCTCGGGTCCCCACGGCCTGTGGAGGAAGAGCCCACTA-3'
Protein context (NP_005551.3, residues 2257-2277): TRDQASQLLA[Gly2267Ser]TEATLGHAKT